The following is an entry in ClinVar:

NM_000069.3(CACNA1S):c.4267G>A (p.Val1423Met)

Gene: CACNA1S (calcium voltage-gated channel subunit alpha1 S; minus strand). Cytogenetic location: 1q32.1.
Variant type: single nucleotide variant.
Coding change: c.4267G>A on transcript NM_000069.3 (MANE Select); coding-DNA position 4267, G replaced by A.
Protein change: p.Val1423Met; replaces valine 1423 with methionine.
Molecular consequence: missense variant.
Genome position (GRCh38, 1-based): chr1:201,049,074, C>T on the plus strand (G>A on the coding strand, the complement: CACNA1S is on the minus strand). VCF-style: chr1-201049074-C-T. GRCh37 (hg19) VCF-style: chr1-201018202-C-T.
Other names: short protein forms V1423M.
Identifiers: ClinVar variation 5033621 (VCV005033621.1).

ClinVar aggregate classification (germline): Uncertain significance (1 of 4 stars; one submission).

Conditions:
Inborn genetic diseases. Identifiers: MedGen C0950123, MeSH D030342.

gnomAD v4.1: 1 of 1,613,382 alleles (0.000062%); no homozygotes.

Submission:

Ambry Genetics
Classification: Uncertain significance for Inborn genetic diseases. Last evaluated: 2026-07-06. Review status: criteria provided, single submitter. Criteria: Ambry Variant Classification Scheme 2023. Collection method: clinical testing. Allele origin: germline.
Comment: The p.V1423M variant (also known as c.4267G>A), located in coding exon 35 of the CACNA1S gene, results from a G to A substitution at nucleotide position 4267. The valine at codon 1423 is replaced by methionine, an amino acid with highly similar properties. This amino acid position is conserved. In addition, this alteration is predicted to be tolerated by in silico analysis. Based on the available evidence, the clinical significance of this variant remains unclear.